The following is an entry in ClinVar:

ClinVar aggregate classification (germline): Conflicting classifications of pathogenicity. Review status: criteria provided, conflicting classifications (1 of 4 stars). 8 submissions from 8 submitters: Uncertain significance (4); Benign (1); Likely benign (3). Last evaluated 2026-01-20.

Conditions:
Hereditary cancer-predisposing syndrome. Also called: Hereditary neoplastic syndrome; Neoplastic Syndromes, Hereditary; Tumor predisposition; Hereditary Cancer Syndrome. Identifiers: Orphanet 140162, MedGen C0027672, MeSH D009386, MONDO:0015356.
Familial cancer of breast. Also called: BREAST CANCER, FAMILIAL; Hereditary breast cancer; hereditary breast carcinoma. Identifiers: Orphanet 227535, MedGen C0346153, MONDO:0016419, OMIM 114480. Disease mechanism: loss of function.
Ataxia-telangiectasia syndrome (AT). Also called: LOUIS-BAR SYNDROME; Cerebello-oculocutaneous telangiectasia; Immunodeficiency with ataxia telangiectasia; AT, COMPLEMENTATION GROUP C; Ataxia-telangiectasia, complementation group D; ATAXIA-TELANGIECTASIA, COMPLEMENTATION GROUP A. Identifiers: Orphanet 100, MedGen C0004135, MONDO:0008840, OMIM 208900.

Submissions (8):

Labcorp Genetics (formerly Invitae), Labcorp
Classification: Benign for Ataxia-telangiectasia syndrome. Last evaluated: 2026-01-20. Review status: criteria provided, single submitter. Criteria: Invitae Variant Classification Sherloc (09022015). Collection method: clinical testing. Allele origin: germline.

Center for Genomic Medicine, Rigshospitalet, Copenhagen University Hospital
Classification: Likely benign. Last evaluated: 2025-12-29. Review status: criteria provided, single submitter. Criteria: ACMG Guidelines, 2015. Collection method: clinical testing. Allele origin: germline.

Women's Health and Genetics/Laboratory Corporation of America, LabCorp
Classification: Uncertain significance. Last evaluated: 2024-12-19. Review status: criteria provided, single submitter. Criteria: LabCorp Variant Classification Summary - May 2015. Collection method: clinical testing. Allele origin: germline.
Comment: Variant summary: ATM c.5178-4dupT alters a conserved nucleotide located close to a canonical splice site and therefore could affect mRNA splicing, leading to a significantly altered protein sequence. Consensus agreement among computation tools predict no significant impact on normal splicing. However, these predictions have yet to be confirmed by functional studies. The variant allele was found at a frequency of 1.2e-05 in 251114 control chromosomes. The available data on variant occurrences in the general population are insufficient to allow any conclusion about variant significance. c.5178-4dupT has been reported in the literature in at least one individual affected with epithelial ovarian cancer in the presence of a co-occurring pathogenic variant and in at least one individual affected with breast cancer without evidence of causality (e.g. Yao_2022, Chen_Aging_2020). These reports do not provide unequivocal conclusions about association of the variant with Breast Cancer. A co-occurrence with another pathogenic variant has been reported (BRCA2 c.1910-1G>A), providing supporting evidence for a benign role (e.g. Yao_2022). To our knowledge, no experimental evidence demonstrating an impact on protein function has been reported. The following publications have been ascertained in the context of this evaluation (PMID: 35186721, 32091409). ClinVar contains an entry for this variant (Variation ID: 481270). Based on the evidence outlined above, the variant was classified as VUS-possibly benign.

Myriad Genetics, Inc.
Classification: Likely benign for Familial cancer of breast. Last evaluated: 2024-05-22. Review status: criteria provided, single submitter. Criteria: Myriad Autosomal Dominant, Autosomal Recessive and X-Linked Classification Criteria (2023). Collection method: clinical testing. Allele origin: unknown.
Comment: This variant is considered likely benign. This variant is intronic and is not expected to impact mRNA splicing.

Color Diagnostics, LLC DBA Color Health
Classification: Uncertain significance for Hereditary cancer-predisposing syndrome. Last evaluated: 2024-03-11. Review status: criteria provided, single submitter. Criteria: ACMG Guidelines, 2015. Collection method: clinical testing. Allele origin: germline.
Comment: This variant causes duplication of a nucleotide at the -4 position in intron 34 of the ATM gene. To our knowledge, functional studies have not been reported for this variant. This variant has not been reported in individuals affected with hereditary cancer in the literature. This variant has been identified in 3/251114 chromosomes in the general population by the Genome Aggregation Database (gnomAD). The available evidence is insufficient to determine the role of this variant in disease conclusively. Therefore, this variant is classified as a Variant of Uncertain Significance.

GeneDx
Classification: Uncertain significance. Last evaluated: 2024-02-21. Review status: criteria provided, single submitter. Criteria: GeneDx Variant Classification Process June 2021. Collection method: clinical testing. Allele origin: germline. Affected: yes.
Comment: In silico analysis supports that this variant does not alter splicing; Identified in patients with breast cancer (PMID: 32091409); This variant is associated with the following publications: (PMID: 32091409)

Ambry Genetics
Classification: Likely benign for Hereditary cancer-predisposing syndrome. Last evaluated: 2023-10-10. Review status: criteria provided, single submitter. Criteria: Ambry Variant Classification Scheme 2023. Collection method: clinical testing. Allele origin: germline.

Department of Pathology and Laboratory Medicine, Sinai Health System
Classification: Uncertain significance for Familial cancer of breast. Last evaluated: 2023-03-24. Review status: criteria provided, single submitter. Criteria: ACMG Guidelines, 2015. Collection method: clinical testing. Allele origin: germline. Affected: yes.

Literature cited by the submitters: PubMed 32091409 (cited by Women's Health and Genetics/Laboratory Corporation of America, LabCorp); PubMed 35186721 (cited by Women's Health and Genetics/Laboratory Corporation of America, LabCorp).

NM_000051.4(ATM):c.5178-4dup

Gene: ATM (ATM serine/threonine kinase; plus strand). Cytogenetic location: 11q22.3.
Variant type: Duplication.
Coding change: c.5178-4dup on transcript NM_000051.4 (MANE Select); 4 bases into the intron before coding-DNA position 5178, one base duplicated (T; older notation c.5178-4dupT).
Molecular consequence: intron variant.
Genome position (GRCh38, 1-based): chr11:108,301,644, T duplicated; the last of 7 consecutive T bases (chr11:108,301,638-108,301,644); duplicating any one gives the same sequence. VCF-style (leftmost placement, unchanged base first): chr11-108301637-G-GT. GRCh37 (hg19) VCF-style: chr11-108172364-G-GT.
Other names: c.5178-4dupT (NM_000051.3, NM_000051.4); c.5178-4dup (NM_001351834.2, NM_000051.2).
Identifiers: ClinVar variation 481270 (VCV000481270.24), dbSNP rs747750958, ClinGen allele CA6265657.
Genomic context (GRCh38, chr11:108,301,637, plus strand): 5'-TCAGTGGAGGTTAACATTCATCAAGATTAATAACTGGTGTACTTGATAGGCATTTGAATT[G>GT]TTTTTTTCAGTGTCAAAGTTCGATCAGCAGCTGTTACCTGTTTGAAAAACATTTTAGCCA-3'